The following is an entry in ClinVar:

ClinVar aggregate classification (germline): Pathogenic (1 of 4 stars; one submission).

Conditions:
Breast-ovarian cancer, familial, susceptibility to, 1 (BROVCA1). Also called: BRCA1 Hereditary Breast and Ovarian Cancer; OVARIAN CANCER, SUSCEPTIBILITY TO. Identifiers: Orphanet 145, MedGen C2676676, MONDO:0011450, OMIM 604370. Disease mechanism: loss of function.

Submission:

Myriad Genetics, Inc.
Classification: Pathogenic for Breast-ovarian cancer, familial, susceptibility to, 1. Last evaluated: 2023-02-23. Review status: criteria provided, single submitter. Criteria: Myriad Autosomal Dominant, Autosomal Recessive and X-Linked Classification Criteria (2023). Collection method: clinical testing. Allele origin: unknown.
Comment: This variant is considered pathogenic. This variant creates a frameshift predicted to result in premature protein truncation.

NM_007294.4(BRCA1):c.2938_2944del (p.Ile980fs)

Gene: BRCA1 (BRCA1 DNA repair associated; minus strand). Cytogenetic location: 17q21.31.
Variant type: Deletion.
Coding change: c.2938_2944del on transcript NM_007294.4 (MANE Select); coding-DNA positions 2938 to 2944, 7 bases deleted (ATACCAC; older notation c.2938_2944delATACCAC).
Protein change: p.Ile980fs; shifts the reading frame from isoleucine 980.
Molecular consequence: frameshift variant. On other transcripts: intron variant (137).
Genome position (GRCh38, 1-based): chr17:43,092,587-43,092,593, GTGGTAT deleted on the plus strand (ATACCAC on the coding strand, the reverse complement: BRCA1 is on the minus strand). VCF-style (leftmost placement, unchanged base first): chr17-43092586-GGTGGTAT-G. GRCh37 (hg19) VCF-style: chr17-41244603-GGTGGTAT-G.
Other names: c.2725_2731del, p.Ile909fs (NM_001407571.1, NM_001407853.1, NM_001407918.1 and 9 more transcripts); c.2938_2944del, p.Ile980fs (NM_001407581.1, NM_001407582.1, NM_001407583.1 and 30 more transcripts); c.2935_2941del, p.Ile979fs (NM_001407587.1, NM_001407590.1, NM_001407591.1 and 22 more transcripts); c.2860_2866del, p.Ile954fs (NM_001407657.1, NM_001407658.1, NM_001407663.1 and 4 more transcripts); c.2857_2863del, p.Ile953fs (NM_001407659.1, NM_001407660.1, NM_001407661.1 and 1 more transcripts); c.2815_2821del, p.Ile939fs (NM_001407664.1, NM_001407665.1, NM_001407666.1 and 19 more transcripts); c.2812_2818del, p.Ile938fs (NM_001407670.1, NM_001407671.1, NM_001407672.1 and 11 more transcripts); c.2797_2803del, p.Ile933fs (NM_001407692.1, NM_001407694.1, NM_001407695.1 and 29 more transcripts); and 41 more; short protein forms I684fs, I812fs, I852fs, I853fs, I868fs, I869fs, I891fs, I892fs.
Identifiers: ClinVar variation 2573297 (VCV002573297.1), dbSNP rs2552180314, ClinGen allele CA2580612661.